The following is an entry in ClinVar:

NM_182914.3(SYNE2):c.20144C>T (p.Pro6715Leu)

Gene: SYNE2 (spectrin repeat containing nuclear envelope protein 2; plus strand). Cytogenetic location: 14q23.2.
Variant type: single nucleotide variant.
Coding change: c.20144C>T on transcript NM_182914.3 (MANE Select); coding-DNA position 20144, C replaced by T.
Protein change: p.Pro6715Leu; replaces proline 6715 with leucine.
Molecular consequence: missense variant.
Genome position (GRCh38, 1-based): chr14:64,221,658, C>T. VCF-style: chr14-64221658-C-T. GRCh37 (hg19) VCF-style: chr14-64688376-C-T.
Other names: c.20075C>T, p.Pro6692Leu (NM_015180.6); c.710C>T, p.Pro237Leu (NM_182910.2); c.1088C>T, p.Pro363Leu (NM_182913.4); short protein forms P237L, P363L, P6692L, P6715L.
Identifiers: ClinVar variation 2436789 (VCV002436789.6), dbSNP rs572055919, ClinGen allele CA7224732.
Genomic context (GRCh38, chr14:64,221,658, plus strand): 5'-ATCTGCTGCTGTGGTTAGCGAGTGCCAAGAACCGGAGGCAGAAGGCTCATGTCACCGATC[C>T]AAAGGCAGACCCCCGGGCTCTCCTAGAGTGTCGGAGGGAACTAATGGTAAGTTTCCTCCC-3'
Protein context (NP_878918.2, residues 6705-6725): NRRQKAHVTD[Pro6715Leu]KADPRALLEC

ClinVar aggregate classification (germline): Uncertain significance. Review status: criteria provided, multiple submitters, no conflicts (2 of 4 stars). 2 submissions from 2 submitters: Uncertain significance (2). Last evaluated 2023-10-04.

Conditions:
Emery-Dreifuss muscular dystrophy 5, autosomal dominant (EDMD5). Also called: EMERY-DREIFUSS MUSCULAR DYSTROPHY 5. Identifiers: Orphanet 261, MedGen C2751805, MONDO:0013072, OMIM 612999.

Allele frequency attached by ClinVar (database versions not stated): ExAC 0.00001; TOPMed 0.00002; gnomAD exomes 0.00004; gnomAD 0.00005.
gnomAD v4.1: 72 of 1,614,100 alleles (0.0045%); highest among the groups gnomAD compares: African/African-American, 0.011%; no homozygotes.

Submissions (2):

Labcorp Genetics (formerly Invitae), Labcorp
Classification: Uncertain significance for Emery-Dreifuss muscular dystrophy 5, autosomal dominant. Last evaluated: 2023-10-04. Review status: criteria provided, single submitter. Criteria: Invitae Variant Classification Sherloc (09022015). Collection method: clinical testing. Allele origin: germline.
Comment: This sequence change replaces proline, which is neutral and non-polar, with leucine, which is neutral and non-polar, at codon 6715 of the SYNE2 protein (p.Pro6715Leu). This variant is present in population databases (rs572055919, gnomAD 0.007%). This variant has not been reported in the literature in individuals affected with SYNE2-related conditions. ClinVar contains an entry for this variant (Variation ID: 2436789). An algorithm developed to predict the effect of missense changes on protein structure and function (PolyPhen-2) suggests that this variant is likely to be disruptive. In summary, the available evidence is currently insufficient to determine the role of this variant in disease. Therefore, it has been classified as a Variant of Uncertain Significance.

Revvity Omics, Revvity
Classification: Uncertain significance for Emery-Dreifuss muscular dystrophy 5, autosomal dominant. Last evaluated: 2019-07-10. Review status: criteria provided, single submitter. Criteria: ACMG Guidelines, 2015. Collection method: clinical testing. Allele origin: germline.